The following is an entry in ClinVar:

ClinVar aggregate classification (germline): Uncertain significance (0 of 4 stars; one submission).

Conditions:
GTP cyclohydrolase I deficiency with hyperphenylalaninemia (HPABH4B). Also called: HYPERPHENYLALANINEMIA, TETRAHYDROBIOPTERIN-DEFICIENT, DUE TO GTP CYCLOHYDROLASE I DEFICIENCY; Hyperphenylalaninemia, tetrahydrobiopterin-deficient, due to GTP cyclohydrolase 1 deficiency; HYPERPHENYLALANINEMIA, BH4-DEFICIENT, B. Identifiers: Orphanet 2102, Orphanet 238583, MedGen CN305333, MONDO:0100186, OMIM 233910.

Submission:

Hong-Tao Li Lab, Institute of Brain Science and Brain-inspired Research, Shandong First Medical University & Shandong Academy of Medical Sciences China
Classification: Uncertain significance for GTP cyclohydrolase I deficiency with hyperphenylalaninemia. Review status: no assertion criteria provided. Collection method: research. Allele origin: germline. Inheritance: Autosomal recessive inheritance. Affected: yes. Observed: 1 variant allele, 1 homozygote.
Comment: Observed in affected individuals from a Pakistani neurodevelopmental-disorder research cohort of 263 individuals. Classification assigned using the ACMG/AMP framework.

NM_000161.3(GCH1):c.320A>T (p.Lys107Met)

Gene: GCH1 (GTP cyclohydrolase 1; minus strand). Cytogenetic location: 14q22.2.
Variant type: single nucleotide variant.
Coding change: c.320A>T on transcript NM_000161.3 (MANE Select); coding-DNA position 320, A replaced by T.
Protein change: p.Lys107Met; replaces lysine 107 with methionine.
Molecular consequence: missense variant.
Genome position (GRCh38, 1-based): chr14:54,902,344, T>A on the plus strand (A>T on the coding strand, the complement: GCH1 is on the minus strand). VCF-style: chr14-54902344-T-A. GRCh37 (hg19) VCF-style: chr14-55369062-T-A.
Other names: c.320A>T, p.Lys107Met (NM_001024024.2, NM_001024070.2, NM_001024071.2 and 1 more transcripts); short protein forms K107M.
Identifiers: ClinVar variation 4884793 (VCV004884793.1).